The following is an entry in ClinVar:

NM_000122.2(ERCC3):c.385G>A (p.Val129Ile)

Gene: ERCC3 (ERCC excision repair 3, TFIIH core complex helicase subunit; minus strand). Cytogenetic location: 2q14.3.
Variant type: single nucleotide variant.
Coding change: c.385G>A on transcript NM_000122.2 (MANE Select); coding-DNA position 385, G replaced by A.
Protein change: p.Val129Ile; replaces valine 129 with isoleucine.
Molecular consequence: missense variant.
Genome position (GRCh38, 1-based): chr2:127,292,696, C>T on the plus strand (G>A on the coding strand, the complement: ERCC3 is on the minus strand). VCF-style: chr2-127292696-C-T. GRCh37 (hg19) VCF-style: chr2-128050272-C-T.
Other names: c.193G>A, p.Val65Ile (NM_001303416.2, NM_001303418.2); short protein forms V129I, V65I.
Identifiers: ClinVar variation 331091 (VCV000331091.15), dbSNP rs145762413, ClinGen allele CA1858557.

ClinVar aggregate classification (germline): Uncertain significance. Review status: criteria provided, multiple submitters, no conflicts (2 of 4 stars). 7 submissions from 7 submitters: Uncertain significance (7). Last evaluated 2025-06-25.

Conditions:
Inborn genetic diseases. Identifiers: MedGen C0950123, MeSH D030342.
Trichothiodystrophy 2, photosensitive (TTD2). Identifiers: Orphanet 33364, MedGen C4225344, MONDO:0014615, OMIM 616390.
Xeroderma pigmentosum (XP). Identifiers: Orphanet 910, MedGen C0043346, MONDO:0019600.
Xeroderma pigmentosum group B. Also called: XP, GROUP B; XERODERMA PIGMENTOSUM B/COCKAYNE SYNDROME; ERCC3-Related Xeroderma Pigmentosum; XPB/CS. Identifiers: MedGen C0268136, MONDO:0012531, OMIM 610651.

Allele frequency attached by ClinVar (database versions not stated): gnomAD exomes 0.00006 and 0.00013; gnomAD 0.00005; TOPMed 0.00006; ExAC 0.00007; ESP Exome Variant Server 0.00015.

Submissions (7):

Dasa
Classification: Uncertain significance. Last evaluated: 2025-06-25. Review status: criteria provided, single submitter. Criteria: DASA Assertion Criteria. Collection method: clinical testing. Allele origin: germline.
Comment: NM_000122.2(ERCC3):c.385G>A (p.Val129Ile) is a missense variant that results in the substitution of valine with isoleucine. This variant is rare in population databases. Computational prediction algorithms are consistent with a benign effect. The currently available literature and clinical evidence are not sufficient to establish a definitive association between this variant and the reported condition. Therefore, this variant is classified as a variant of uncertain significance.

Labcorp Genetics (formerly Invitae), Labcorp
Classification: Uncertain significance. Last evaluated: 2024-04-02. Review status: criteria provided, single submitter. Criteria: Invitae Variant Classification Sherloc (09022015). Collection method: clinical testing. Allele origin: germline.
Comment: This sequence change replaces valine, which is neutral and non-polar, with isoleucine, which is neutral and non-polar, at codon 129 of the ERCC3 protein (p.Val129Ile). This variant is present in population databases (rs145762413, gnomAD 0.01%). This variant has not been reported in the literature in individuals affected with ERCC3-related conditions. ClinVar contains an entry for this variant (Variation ID: 331091). Advanced modeling of protein sequence and biophysical properties (such as structural, functional, and spatial information, amino acid conservation, physicochemical variation, residue mobility, and thermodynamic stability) performed at Invitae indicates that this missense variant is not expected to disrupt ERCC3 protein function with a negative predictive value of 80%. In summary, the available evidence is currently insufficient to determine the role of this variant in disease. Therefore, it has been classified as a Variant of Uncertain Significance.

Ambry Genetics
Classification: Uncertain significance for Inborn genetic diseases. Last evaluated: 2022-09-06. Review status: criteria provided, single submitter. Criteria: Ambry Variant Classification Scheme 2023. Collection method: clinical testing. Allele origin: germline.

GeneDx
Classification: Uncertain significance. Last evaluated: 2022-04-13. Review status: criteria provided, single submitter. Criteria: GeneDx Variant Classification Process June 2021. Collection method: clinical testing. Allele origin: germline. Affected: yes.
Comment: In silico analysis supports that this missense variant does not alter protein structure/function; Has not been previously published as pathogenic or benign to our knowledge

Sema4
Classification: Uncertain significance for Xeroderma pigmentosum. Last evaluated: 2022-03-04. Review status: criteria provided, single submitter. Criteria: Sema4 Curation Guidelines. Collection method: curation. Allele origin: germline.
Comment: The ERCC3 c.385G>A (p.V129I) variant has not been reported in the literature to our knowledge. It was observed in 15/129188 chromosomes of the Non-Finnish European subpopulation in the Genome Aggregation Database (PMID: 32461654). The variant has been reported in ClinVar (Variation ID 331091). Functional studies have not been performed, and in silico predictions of the variant's effect on protein function are inconclusive. The evidence is insufficient to meet ACMG/AMP criteria for classifying the variant as benign or pathogenic. Thus, the clinical significance of this variant is currently uncertain.

Baylor Genetics
Classification: Uncertain significance for Trichothiodystrophy 2, photosensitive. Last evaluated: 2022-01-05. Review status: criteria provided, single submitter. Criteria: ACMG Guidelines, 2015. Collection method: clinical testing. Allele origin: unknown. Affected: yes. Study: CSER-TexasKidsCanSeq.
Comment: This variant was determined to be of uncertain significance according to ACMG Guidelines, 2015 [PMID:25741868].

Illumina Laboratory Services, Illumina
Classification: Uncertain significance for Xeroderma pigmentosum group B. Last evaluated: 2018-01-13. Review status: criteria provided, single submitter. Criteria: ICSL Variant Classification Criteria 13 December 2019. Collection method: clinical testing. Allele origin: germline.